The following is an entry in ClinVar:

NM_004364.5(CEBPA):c.859G>C (p.Val287Leu)

Gene: CEBPA (CCAAT enhancer binding protein alpha; minus strand). Cytogenetic location: 19q13.11.
Variant type: single nucleotide variant.
Coding change: c.859G>C on transcript NM_004364.5 (MANE Select); coding-DNA position 859, G replaced by C.
Protein change: p.Val287Leu; replaces valine 287 with leucine.
Molecular consequence: missense variant.
Genome position (GRCh38, 1-based): chr19:33,301,556, C>G on the plus strand (G>C on the coding strand, the complement: CEBPA is on the minus strand). VCF-style: chr19-33301556-C-G. GRCh37 (hg19) VCF-style: chr19-33792462-C-G.
Other names: c.502G>C, p.Val168Leu (NM_001285829.2); c.964G>C, p.Val322Leu (NM_001287424.2); c.817G>C, p.Val273Leu (NM_001287435.2); short protein forms V168L, V273L, V287L, V322L.
Identifiers: ClinVar variation 1464690 (VCV001464690.8), dbSNP rs2145259628, ClinGen allele CA405274057.

ClinVar aggregate classification (germline): Uncertain significance (1 of 4 stars; one submission).

Conditions:
Acute myeloid leukemia (AML). Also called: Leukemia, acute myeloid, somatic; Leukemia, acute myelogenous, somatic; Acute myeloid leukemia, adult; AML adult; Acute non-lymphocytic leukemia; Acute granulocytic leukemia. Identifiers: Orphanet 519, MedGen C0023467, MeSH D015470, MONDO:0018874, OMIM 601626, HP:0004808. Disease mechanism: Constitutively activated FLT3.

Allele frequency attached by ClinVar (database versions not stated): gnomAD exomes below 0.00001.
gnomAD v4.1: 1 of 1,613,076 alleles (0.000062%); highest among the groups gnomAD compares: African/African-American, 0.0013%; no homozygotes.

Submission:

Labcorp Genetics (formerly Invitae), Labcorp
Classification: Uncertain significance for Acute myeloid leukemia. Last evaluated: 2022-07-15. Review status: criteria provided, single submitter. Criteria: Invitae Variant Classification Sherloc (09022015). Collection method: clinical testing. Allele origin: germline.
Comment: This sequence change replaces valine, which is neutral and non-polar, with leucine, which is neutral and non-polar, at codon 287 of the CEBPA protein (p.Val287Leu). This variant is not present in population databases (gnomAD no frequency). This variant has not been reported in the literature in individuals affected with CEBPA-related conditions. ClinVar contains an entry for this variant (Variation ID: 1464690). Algorithms developed to predict the effect of missense changes on protein structure and function are either unavailable or do not agree on the potential impact of this missense change (SIFT: "Tolerated"; PolyPhen-2: "Possibly Damaging"; Align-GVGD: "Class C0"). In summary, the available evidence is currently insufficient to determine the role of this variant in disease. Therefore, it has been classified as a Variant of Uncertain Significance.